The following is an entry in ClinVar:

NM_014633.5(CTR9):c.3425G>C (p.Gly1142Ala)

Gene: CTR9 (CTR9 component of Paf1/RNA polymerase II complex; plus strand). Cytogenetic location: 11p15.4.
Variant type: single nucleotide variant.
Coding change: c.3425G>C on transcript NM_014633.5 (MANE Select); coding-DNA position 3425, G replaced by C.
Protein change: p.Gly1142Ala; replaces glycine 1142 with alanine.
Molecular consequence: missense variant.
Genome position (GRCh38, 1-based): chr11:10,779,008, G>C. VCF-style: chr11-10779008-G-C. GRCh37 (hg19) VCF-style: chr11-10800555-G-C.
Other names: c.3353G>C, p.Gly1118Ala (NM_001346279.2); short protein forms G1118A, G1142A.
Identifiers: ClinVar variation 1042302 (VCV001042302.6), dbSNP rs767925784, ClinGen allele CA5885586.
Genomic context (GRCh38, chr11:10,779,008, plus strand): 5'-GCCCAGCTTCTCCAAGTGCCGAATCAGATCACGAATCGGAGAGAGGATCTGATAATGAGG[G>C]TTCTGGCCAAGGCTCTGGAAATGAATCGGAACCAGAGGGATCCAACAATGAGGCCTCAGA-3'
Protein context (NP_055448.1, residues 1132-1152): HESERGSDNE[Gly1142Ala]SGQGSGNESE

ClinVar aggregate classification (germline): Uncertain significance (1 of 4 stars; one submission).

Allele frequency attached by ClinVar (database versions not stated): gnomAD 0.00001 and 0.00002.
gnomAD v4.1: 22 of 1,614,046 alleles (0.0014%); highest among the groups gnomAD compares: South Asian, 0.018%; 1 homozygote.

Submission:

Labcorp Genetics (formerly Invitae), Labcorp
Classification: Uncertain significance. Last evaluated: 2025-08-26. Review status: criteria provided, single submitter. Criteria: Invitae Variant Classification Sherloc (09022015). Collection method: clinical testing. Allele origin: germline.
Comment: This sequence change replaces glycine, which is neutral and non-polar, with alanine, which is neutral and non-polar, at codon 1142 of the CTR9 protein (p.Gly1142Ala). This variant is present in population databases (rs767925784, gnomAD 0.006%). This variant has not been reported in the literature in individuals affected with CTR9-related conditions. ClinVar contains an entry for this variant (Variation ID: 1042302). An algorithm developed to predict the effect of missense changes on protein structure and function outputs the following: PolyPhen-2: "Possibly Damaging". The alanine amino acid residue is found in multiple mammalian species, which suggests that this missense change does not adversely affect protein function. In summary, the available evidence is currently insufficient to determine the role of this variant in disease. Therefore, it has been classified as a Variant of Uncertain Significance.